The following is an entry in ClinVar:

ClinVar aggregate classification (germline): Uncertain significance (1 of 4 stars; one submission).

Submission:

GeneDx
Classification: Uncertain significance. Last evaluated: 2025-06-09. Review status: criteria provided, single submitter. Criteria: GeneDx Variant Classification Process June 2021. Collection method: clinical testing. Allele origin: germline. Affected: yes.
Comment: Not observed at significant frequency in large population cohorts (gnomAD); In silico analysis suggests that this missense variant does not alter protein structure/function; Has not been previously published as pathogenic or benign to our knowledge

NM_005251.3(FOXC2):c.850G>A (p.Gly284Ser)

Gene: FOXC2 (forkhead box C2; plus strand). Cytogenetic location: 16q24.1.
Variant type: single nucleotide variant.
Coding change: c.850G>A on transcript NM_005251.3 (MANE Select); coding-DNA position 850, G replaced by A.
Protein change: p.Gly284Ser; replaces glycine 284 with serine.
Molecular consequence: missense variant.
Genome position (GRCh38, 1-based): chr16:86,568,185, G>A. VCF-style: chr16-86568185-G-A. GRCh37 (hg19) VCF-style: chr16-86601791-G-A.
Other names: short protein forms G284S.
Identifiers: ClinVar variation 4537554 (VCV004537554.1).
Genomic context (GRCh38, chr16:86,568,185, plus strand): 5'-CCCAACGGGCTGCCTGGCTTCAGCGTGGAGAACATCATGACCCTGCGAACGTCGCCGCCG[G>A]GCGGAGAGCTGAGCCCGGGGGCCGGACGCGCGGGCCTGGTGGTGCCGCCGCTGGCGCTGC-3'
Protein context (NP_005242.1, residues 274-294): NIMTLRTSPP[Gly284Ser]GELSPGAGRA